The following is an entry in ClinVar:

NM_005120.3(MED12):c.445T>C (p.Tyr149His)

Gene: MED12 (mediator complex subunit 12; plus strand). Cytogenetic location: Xq13.1.
Variant type: single nucleotide variant.
Coding change: c.445T>C on transcript NM_005120.3 (MANE Select); coding-DNA position 445, T replaced by C.
Protein change: p.Tyr149His; replaces tyrosine 149 with histidine.
Molecular consequence: missense variant.
Genome position (GRCh38, 1-based): chrX:71,120,062, T>C. VCF-style: chrX-71120062-T-C. GRCh37 (hg19) VCF-style: chrX-70339912-T-C.
Other names: short protein forms Y149H.
Identifiers: ClinVar variation 4769728 (VCV004769728.1).

ClinVar aggregate classification (germline): Uncertain significance (1 of 4 stars; one submission).

Conditions:
FG syndrome (FGS). Identifiers: MedGen C0220769, MONDO:0002010.

Submission:

Labcorp Genetics (formerly Invitae), Labcorp
Classification: Uncertain significance for FG syndrome. Last evaluated: 2025-03-27. Review status: criteria provided, single submitter. Criteria: Invitae Variant Classification Sherloc (09022015). Collection method: clinical testing. Allele origin: germline.
Comment: This sequence change replaces tyrosine, which is neutral and polar, with histidine, which is basic and polar, at codon 149 of the MED12 protein (p.Tyr149His). This variant is not present in population databases (gnomAD no frequency). This variant has not been reported in the literature in individuals affected with MED12-related conditions. Invitae Evidence Modeling of protein sequence and biophysical properties (such as structural, functional, and spatial information, amino acid conservation, physicochemical variation, residue mobility, and thermodynamic stability) has been performed for this missense variant. However, the output from this modeling did not meet the statistical confidence thresholds required to predict the impact of this variant on MED12 protein function. In summary, the available evidence is currently insufficient to determine the role of this variant in disease. Therefore, it has been classified as a Variant of Uncertain Significance.